The following is an entry in ClinVar:

NM_001277058.2(ERCC6):c.2785G>A (p.Gly929Arg)

Genes: ERCC6 (ERCC excision repair 6, chromatin remodeling factor; minus strand), PGBD3 (piggyBac transposable element derived 3; minus strand). Cytogenetic location: 10q11.23.
Variant type: single nucleotide variant.
Coding change: c.2785G>A on transcript NM_001277058.2 (MANE Plus Clinical); coding-DNA position 2785, G replaced by A.
Protein change: p.Gly929Arg; replaces glycine 929 with arginine.
Molecular consequence: missense variant. On other transcripts: intron variant (2).
Genome position (GRCh38, 1-based): chr10:49,515,734, C>T on the plus strand (G>A on the coding strand, the complement: ERCC6 is on the minus strand). VCF-style: chr10-49515734-C-T. GRCh37 (hg19) VCF-style: chr10-50723780-C-T.
Other names: c.2785G>A, p.Gly929Arg (NM_001277059.2); c.1381G>A, p.Gly461Arg (NM_170753.3); c.1397+8299G>A (NM_001346440.2, NM_000124.4); short protein forms G929R, G461R.
Identifiers: ClinVar variation 2197452 (VCV002197452.6), dbSNP rs142477138, ClinGen allele CA5496081.

ClinVar aggregate classification (germline): Likely benign. Review status: criteria provided, single submitter (1 of 4 stars). 2 submissions from 2 submitters: Likely benign (1). 1 of the submissions does not count toward it. Last evaluated 2024-01-31.

Conditions:
ERCC6-related disorder. Also called: ERCC6-related disorders; ERCC6-related condition. Identifiers: MedGen CN239385.

Allele frequency attached by ClinVar (database versions not stated): gnomAD exomes 0.00013; ExAC 0.00029; 1000 Genomes Project 0.00040; 1000 Genomes Project 30x 0.00062; ESP Exome Variant Server 0.00085; gnomAD 0.00098; TOPMed 0.00116.

Submissions (2):

Labcorp Genetics (formerly Invitae), Labcorp
Classification: Likely benign. Last evaluated: 2024-01-31. Review status: criteria provided, single submitter. Criteria: Invitae Variant Classification Sherloc (09022015). Collection method: clinical testing. Allele origin: germline.

PreventionGenetics, part of Exact Sciences
Classification: Likely benign for ERCC6-related condition. Last evaluated: 2023-11-16. Review status: no assertion criteria provided. Collection method: clinical testing. Allele origin: germline. Not counted in ClinVar's aggregate classification.
Comment: This variant is classified as likely benign based on ACMG/AMP sequence variant interpretation guidelines (Richards et al. 2015 PMID: 25741868, with internal and published modifications).